The following is an entry in ClinVar:

ClinVar aggregate classification (germline): Conflicting classifications of pathogenicity. Review status: criteria provided, conflicting classifications (1 of 4 stars). 2 submissions from 2 submitters: Pathogenic (1); Uncertain significance (1). Last evaluated 2022-09-30.

Submissions (2):

Blueprint Genetics
Classification: Uncertain significance. Last evaluated: 2022-09-30. Review status: criteria provided, single submitter. Criteria: ACMG Guidelines, 2015. Collection method: clinical testing. Allele origin: germline.

Labcorp Genetics (formerly Invitae), Labcorp
Classification: Pathogenic. Last evaluated: 2022-09-23. Review status: criteria provided, single submitter. Criteria: Invitae Variant Classification Sherloc (09022015). Collection method: clinical testing. Allele origin: germline.
Comment: This sequence change affects a donor splice site in intron 29 of the COL2A1 gene. It is expected to disrupt RNA splicing. Variants that disrupt the donor or acceptor splice site typically lead to a loss of protein function (PMID: 16199547), and loss-of-function variants in COL2A1 are known to be pathogenic (PMID: 20179744). This variant is not present in population databases (gnomAD no frequency). Disruption of this splice site has been observed in individuals with Stickler syndrome (PMID: 16752401; Invitae). Algorithms developed to predict the effect of sequence changes on RNA splicing suggest that this variant may disrupt the consensus splice site. For these reasons, this variant has been classified as Pathogenic.

Literature cited by the submitters: PubMed 16199547 (cited by Labcorp Genetics (formerly Invitae), Labcorp); PubMed 20179744 (cited by Labcorp Genetics (formerly Invitae), Labcorp); PubMed 16752401 (cited by Labcorp Genetics (formerly Invitae), Labcorp).

NM_001844.5(COL2A1):c.1941+1G>T

Gene: COL2A1 (collagen type II alpha 1 chain; minus strand). Cytogenetic location: 12q13.11.
Variant type: single nucleotide variant.
Coding change: c.1941+1G>T on transcript NM_001844.5 (MANE Select); the canonical splice donor site of the intron after coding-DNA position 1941, G replaced by T.
Molecular consequence: splice donor variant.
Genome position (GRCh38, 1-based): chr12:47,984,086, C>A on the plus strand (G>T on the coding strand, the complement: COL2A1 is on the minus strand). VCF-style: chr12-47984086-C-A. GRCh37 (hg19) VCF-style: chr12-48377869-C-A.
Other names: c.1734+1G>T (NM_033150.3).
Identifiers: ClinVar variation 2032264 (VCV002032264.5), dbSNP rs1555166808, ClinGen allele CA384548720.
Genomic context (GRCh38, chr12:47,984,086, plus strand): 5'-ACCCCCACCCCTCCCAGCCCCTGCCCCCAGGGCCACCTGGGGAGGCTGGGCAGGTACTTA[C>A]AGCAGGGCCAGGGGGTCCTGCAGCACCTGTCTCACCATCTTTGCCAGGAAGACCCTAGAC-3'